The following is an entry in ClinVar:

NM_001099274.3(TINF2):c.828G>T (p.Arg276Ser)

Gene: TINF2 (TERF1 interacting nuclear factor 2; minus strand). Cytogenetic location: 14q12.
Variant type: single nucleotide variant.
Coding change: c.828G>T on transcript NM_001099274.3 (MANE Select); coding-DNA position 828, G replaced by T.
Protein change: p.Arg276Ser; replaces arginine 276 with serine.
Molecular consequence: missense variant.
Genome position (GRCh38, 1-based): chr14:24,240,652, C>A on the plus strand (G>T on the coding strand, the complement: TINF2 is on the minus strand). VCF-style: chr14-24240652-C-A. GRCh37 (hg19) VCF-style: chr14-24709858-C-A.
Other names: c.723G>T, p.Arg241Ser (NM_001363668.2); c.828G>T, p.Arg276Ser (NM_012461.3); short protein forms R241S, R276S.
Identifiers: ClinVar variation 1692550 (VCV001692550.1), dbSNP rs2138998258, ClinGen allele CA389225780.
Genomic context (GRCh38, chr14:24,240,652, plus strand): 5'-TGGTGAGCCGAGATTCCTAAAGGGAAACAGCATGACTGTGGGGCGCTCCTTATGGCCTCC[C>A]CTAGTGGAGGCCCATTGGGACTGAACTCTTCGTCGGCCTAGAGGGGCCAGATTGAAGTGT-3'
Protein context (NP_001092744.1, residues 266-286): RRVQSQWAST[Arg276Ser]GGHKERPTVM

ClinVar aggregate classification (germline): Uncertain significance (1 of 4 stars; one submission).

Conditions:
Dyskeratosis congenita. Identifiers: Orphanet 1775, MedGen C0265965, MONDO:0015780.

Submission:

Sema4
Classification: Uncertain significance for Dyskeratosis congenita. Last evaluated: 2022-02-15. Review status: criteria provided, single submitter. Criteria: Sema4 Curation Guidelines. Collection method: curation. Allele origin: germline.
Comment: The TINF2 c.828G>T (p.R276S) variant has not been reported in the literature to our knowledge. It was not observed in the large and broad cohorts of the Genome Aggregation Database (PMID: 32461654). The variant has not been reported in ClinVar. In silico tools suggest the impact of the variant on protein function is inconclusive, though these predictions have not been confirmed by functional studies. The evidence is insufficient to meet ACMG/AMP criteria for classifying the variant as benign or pathogenic. Thus, the clinical significance of this variant is currently uncertain.